The following is an entry in ClinVar:

NM_001458.5(FLNC):c.2345A>G (p.Asn782Ser)

Gene: FLNC (filamin C; plus strand). Cytogenetic location: 7q32.1.
Variant type: single nucleotide variant.
Coding change: c.2345A>G on transcript NM_001458.5 (MANE Select); coding-DNA position 2345, A replaced by G.
Protein change: p.Asn782Ser; replaces asparagine 782 with serine.
Molecular consequence: missense variant.
Genome position (GRCh38, 1-based): chr7:128,842,654, A>G. VCF-style: chr7-128842654-A-G. GRCh37 (hg19) VCF-style: chr7-128482708-A-G.
Other names: c.2345A>G, p.Asn782Ser (NM_001127487.2); c.2345A>G (NM_001458.4); short protein forms N782S.
Identifiers: ClinVar variation 1477648 (VCV001477648.8), dbSNP rs767436158, ClinGen allele CA4474687.

ClinVar aggregate classification (germline): Conflicting classifications of pathogenicity. Review status: criteria provided, conflicting classifications (1 of 4 stars). 2 submissions from 2 submitters: Uncertain significance (1); Likely benign (1). Last evaluated 2025-12-16.

Conditions:
Cardiovascular phenotype. Identifiers: MedGen CN230736.
Distal myopathy with posterior leg and anterior hand involvement. Also called: WILLIAMS DISTAL MYOPATHY. Identifiers: Orphanet 63273, MedGen C3279722, MONDO:0013550, OMIM 614065.
Hypertrophic cardiomyopathy 26. Also called: Cardiomyopathy, familial hypertrophic, 26. Identifiers: Orphanet 75249, MedGen C4310749, MONDO:0014883, OMIM 617047.
Myofibrillar myopathy 5. Also called: FILAMINOPATHY, AUTOSOMAL DOMINANT; Filaminopathy (type). Identifiers: Orphanet 171445, MedGen C1836050, MONDO:0012289, OMIM 609524.

Allele frequency attached by ClinVar (database versions not stated): TOPMed below 0.00001; gnomAD 0.00001; gnomAD exomes 0.00003 and 0.00004; ExAC 0.00005.
gnomAD v4.1: 49 of 1,551,200 alleles (0.0032%); highest among the groups gnomAD compares: South Asian, 0.031%; no homozygotes.

Submissions (2):

Labcorp Genetics (formerly Invitae), Labcorp
Classification: Likely benign for Distal myopathy with posterior leg and anterior hand involvement; Myofibrillar myopathy 5; Hypertrophic cardiomyopathy 26. Last evaluated: 2025-12-16. Review status: criteria provided, single submitter. Criteria: Invitae Variant Classification Sherloc (09022015). Collection method: clinical testing. Allele origin: germline.

Ambry Genetics
Classification: Uncertain significance for Cardiovascular phenotype. Last evaluated: 2025-11-07. Review status: criteria provided, single submitter. Criteria: Ambry Variant Classification Scheme 2023. Collection method: clinical testing. Allele origin: germline.
Comment: The p.N782S variant (also known as c.2345A>G), located in coding exon 15 of the FLNC gene, results from an A to G substitution at nucleotide position 2345. The asparagine at codon 782 is replaced by serine, an amino acid with highly similar properties. This amino acid position is conserved. In addition, this alteration is predicted to be tolerated by in silico analysis. Since supporting evidence is limited at this time, the clinical significance of this alteration remains unclear.